The following is an entry in ClinVar:

ClinVar aggregate classification (germline): Likely pathogenic (1 of 4 stars; one submission).

Conditions:
Hypertrophic cardiomyopathy. Also called: HYPERTROPHIC MYOCARDIOPATHY. Identifiers: Orphanet 217569, MedGen C0007194, MeSH D002312, MONDO:0005045, HP:0001639.

Allele frequency attached by ClinVar (database versions not stated): gnomAD exomes below 0.00001.
gnomAD v4.1: 2 of 1,614,156 alleles (0.00012%); highest among the groups gnomAD compares: Non-Finnish European, 0.00017%; no homozygotes.

Submission:

Labcorp Genetics (formerly Invitae), Labcorp
Classification: Likely pathogenic for Hypertrophic cardiomyopathy. Last evaluated: 2023-05-10. Review status: criteria provided, single submitter. Criteria: Invitae Variant Classification Sherloc (09022015). Collection method: clinical testing. Allele origin: germline.
Comment: In summary, the currently available evidence indicates that the variant is pathogenic, but additional data are needed to prove that conclusively. Therefore, this variant has been classified as Likely Pathogenic. This variant disrupts the p.Lys1879 amino acid residue in MYH7. Other variant(s) that disrupt this residue have been determined to be pathogenic (PMID: 30384889). This suggests that this residue is clinically significant, and that variants that disrupt this residue are likely to be disease-causing. Advanced modeling of protein sequence and biophysical properties (such as structural, functional, and spatial information, amino acid conservation, physicochemical variation, residue mobility, and thermodynamic stability) performed at Invitae indicates that this missense variant is expected to disrupt MYH7 protein function. ClinVar contains an entry for this variant (Variation ID: 1978588). This variant has not been reported in the literature in individuals affected with MYH7-related conditions. This variant is not present in population databases (gnomAD no frequency). This sequence change replaces lysine, which is basic and polar, with arginine, which is basic and polar, at codon 1879 of the MYH7 protein (p.Lys1879Arg).

Literature cited by the submitters: PubMed 30384889.

NM_000257.4(MYH7):c.5636A>G (p.Lys1879Arg)

Gene: MYH7 (myosin heavy chain 7; minus strand). Cytogenetic location: 14q11.2.
Variant type: single nucleotide variant.
Coding change: c.5636A>G on transcript NM_000257.4 (MANE Select); coding-DNA position 5636, A replaced by G.
Protein change: p.Lys1879Arg; replaces lysine 1879 with arginine.
Molecular consequence: missense variant.
Genome position (GRCh38, 1-based): chr14:23,414,026, T>C on the plus strand (A>G on the coding strand, the complement: MYH7 is on the minus strand). VCF-style: chr14-23414026-T-C. GRCh37 (hg19) VCF-style: chr14-23883235-T-C.
Other names: c.5636A>G, p.Lys1879Arg (NM_001407004.1); short protein forms K1879R.
Identifiers: ClinVar variation 1978588 (VCV001978588.4), dbSNP rs2502234362, ClinGen allele CA389034813.
Genomic context (GRCh38, chr14:23,414,026, plus strand): 5'-CTATGCCTCCCCTGGGCCTAGTCCCCAGCAGGGTCACTCACCGCCTCCTCGGCCTGGCGC[T>C]TGTAGGCCTTGACCTTTAGCTGCAGCTTGTCTACCAGGTCCTGCAGCCGCAGCAGGTTTT-3'
Protein context (NP_000248.2, residues 1869-1889): DKLQLKVKAY[Lys1879Arg]RQAEEAEEQA